The following is an entry in ClinVar:

NM_006662.3(SRCAP):c.4559C>T (p.Thr1520Ile)

Gene: SRCAP (Snf2 related CREBBP activator protein; plus strand). Cytogenetic location: 16p11.2.
Variant type: single nucleotide variant.
Coding change: c.4559C>T on transcript NM_006662.3 (MANE Select); coding-DNA position 4559, C replaced by T.
Protein change: p.Thr1520Ile; replaces threonine 1520 with isoleucine.
Molecular consequence: missense variant.
Genome position (GRCh38, 1-based): chr16:30,723,983, C>T. VCF-style: chr16-30723983-C-T. GRCh37 (hg19) VCF-style: chr16-30735304-C-T.
Other names: short protein forms T1520I.
Identifiers: ClinVar variation 3699503 (VCV003699503.2).

ClinVar aggregate classification (germline): Uncertain significance (1 of 4 stars; one submission).

gnomAD v4.1: 9 of 1,614,194 alleles (0.00056%); highest among the groups gnomAD compares: Non-Finnish European, 0.00076%; no homozygotes.

Submission:

Labcorp Genetics (formerly Invitae), Labcorp
Classification: Uncertain significance. Last evaluated: 2024-05-08. Review status: criteria provided, single submitter. Criteria: Invitae Variant Classification Sherloc (09022015). Collection method: clinical testing. Allele origin: germline.
Comment: This sequence change replaces threonine, which is neutral and polar, with isoleucine, which is neutral and non-polar, at codon 1520 of the SRCAP protein (p.Thr1520Ile). This variant is not present in population databases (gnomAD no frequency). This variant has not been reported in the literature in individuals affected with SRCAP-related conditions. Advanced modeling of protein sequence and biophysical properties (such as structural, functional, and spatial information, amino acid conservation, physicochemical variation, residue mobility, and thermodynamic stability) performed at Invitae indicates that this missense variant is not expected to disrupt SRCAP protein function with a negative predictive value of 80%. In summary, the available evidence is currently insufficient to determine the role of this variant in disease. Therefore, it has been classified as a Variant of Uncertain Significance.